The following is an entry in ClinVar:

NM_001367805.3(KIF23):c.2251A>T (p.Asn751Tyr)

Gene: KIF23 (kinesin family member 23; plus strand). Cytogenetic location: 15q23.
Variant type: single nucleotide variant.
Coding change: c.2251A>T on transcript NM_001367805.3 (MANE Select); coding-DNA position 2251, A replaced by T.
Protein change: p.Asn751Tyr; replaces asparagine 751 with tyrosine.
Molecular consequence: missense variant. On other transcripts: intron variant (1), non-coding transcript variant (1).
Genome position (GRCh38, 1-based): chr15:69,440,909, A>T. VCF-style: chr15-69440909-A-T. GRCh37 (hg19) VCF-style: chr15-69733248-A-T.
Other names: c.2067+422A>T (NM_004856.7); c.1879A>T, p.Asn627Tyr (NM_001281301.2); c.2209A>T, p.Asn737Tyr (NM_001367804.2, NM_138555.4); short protein forms N627Y, N751Y, N737Y.
Identifiers: ClinVar variation 4778661 (VCV004778661.1).

ClinVar aggregate classification (germline): Uncertain significance (1 of 4 stars; one submission).

gnomAD v4.1: 2 of 1,614,148 alleles (0.00012%); highest among the groups gnomAD compares: South Asian, 0.0011%; no homozygotes.

Submission:

Labcorp Genetics (formerly Invitae), Labcorp
Classification: Uncertain significance. Last evaluated: 2025-02-18. Review status: criteria provided, single submitter. Criteria: Invitae Variant Classification Sherloc (09022015). Collection method: clinical testing. Allele origin: germline.
Comment: This sequence change replaces asparagine, which is neutral and polar, with tyrosine, which is neutral and polar, at codon 737 of the KIF23 protein (p.Asn737Tyr). This variant is not present in population databases (gnomAD no frequency). This variant has not been reported in the literature in individuals affected with KIF23-related conditions. An algorithm developed to predict the effect of missense changes on protein structure and function (PolyPhen-2) suggests that this variant is likely to be tolerated. In summary, the available evidence is currently insufficient to determine the role of this variant in disease. Therefore, it has been classified as a Variant of Uncertain Significance.